The following is an entry in ClinVar:

NM_000553.6(WRN):c.1625T>C (p.Met542Thr)

Gene: WRN (WRN RecQ like helicase; plus strand). Cytogenetic location: 8p12.
Variant type: single nucleotide variant.
Coding change: c.1625T>C on transcript NM_000553.6 (MANE Select); coding-DNA position 1625, T replaced by C.
Protein change: p.Met542Thr; replaces methionine 542 with threonine.
Molecular consequence: missense variant.
Genome position (GRCh38, 1-based): chr8:31,088,938, T>C. VCF-style: chr8-31088938-T-C. GRCh37 (hg19) VCF-style: chr8-30946454-T-C.
Other names: short protein forms M542T.
Identifiers: ClinVar variation 2816160 (VCV002816160.3), dbSNP rs1434745196, ClinGen allele CA370926387.

ClinVar aggregate classification (germline): Uncertain significance (1 of 4 stars; one submission).

Conditions:
Werner syndrome (WRN). Identifiers: Orphanet 902, MedGen C0043119, MONDO:0010196, OMIM 277700.

Allele frequency attached by ClinVar (database versions not stated): gnomAD exomes 0.00001.
gnomAD v4.1: 7 of 1,611,560 alleles (0.00043%); highest among the groups gnomAD compares: South Asian, 0.0077%; no homozygotes.

Submission:

Labcorp Genetics (formerly Invitae), Labcorp
Classification: Uncertain significance for Werner syndrome. Last evaluated: 2023-08-02. Review status: criteria provided, single submitter. Criteria: Invitae Variant Classification Sherloc (09022015). Collection method: clinical testing. Allele origin: germline.
Comment: In summary, the available evidence is currently insufficient to determine the role of this variant in disease. Therefore, it has been classified as a Variant of Uncertain Significance. Algorithms developed to predict the effect of missense changes on protein structure and function output the following: SIFT: "Not Available"; PolyPhen-2: "Benign"; Align-GVGD: "Not Available". The threonine amino acid residue is found in multiple mammalian species, which suggests that this missense change does not adversely affect protein function. This variant has not been reported in the literature in individuals affected with WRN-related conditions. This variant is present in population databases (no rsID available, gnomAD 0.003%). This sequence change replaces methionine, which is neutral and non-polar, with threonine, which is neutral and polar, at codon 542 of the WRN protein (p.Met542Thr).